The following is an entry in ClinVar:

ClinVar aggregate classification (germline): Uncertain significance (1 of 4 stars; one submission).

Conditions:
Oto-palato-digital syndrome, type II (OPD2). Also called: FACIOPALATOOSSEOUS SYNDROME; OPD II SYNDROME; Otopalatodigital Syndrome, Type II; Otopalatodigital Syndrome Type 2 (FLNA-OPD2). Identifiers: Orphanet 669, Orphanet 90652, MedGen C1844696, MONDO:0010571, OMIM 304120.
Heterotopia, periventricular, X-linked dominant (PVNH1). Also called: PERIVENTRICULAR NODULAR HETEROTOPIA 1; X-linked periventricular heterotopia; PERIVENTRICULAR NODULAR HETEROTOPIA 4; HETEROTOPIA, PERIVENTRICULAR, 1. Identifiers: Orphanet 2149, Orphanet 82004, MedGen C1848213, MONDO:0010233, OMIM 300049.
Frontometaphyseal dysplasia (FMD1). Identifiers: Orphanet 1826, MedGen C0265293, MONDO:0015942.
Melnick-Needles syndrome (MNS). Also called: MELNICK-NEEDLES OSTEODYSPLASTY; OSTEODYSPLASTY OF MELNICK AND NEEDLES; Melnick-Needles Syndrome (FLNA-MNS). Identifiers: Orphanet 2484, MedGen C0025237, MONDO:0010650, OMIM 309350.

Submission:

Labcorp Genetics (formerly Invitae), Labcorp
Classification: Uncertain significance for Oto-palato-digital syndrome, type II; Heterotopia, periventricular, X-linked dominant; Frontometaphyseal dysplasia; Melnick-Needles syndrome. Last evaluated: 2023-10-04. Review status: criteria provided, single submitter. Criteria: Invitae Variant Classification Sherloc (09022015). Collection method: clinical testing. Allele origin: germline.
Comment: This sequence change replaces cysteine, which is neutral and slightly polar, with serine, which is neutral and polar, at codon 2191 of the FLNA protein (p.Cys2191Ser). This variant is not present in population databases (gnomAD no frequency). This variant has not been reported in the literature in individuals affected with FLNA-related conditions. Advanced modeling of protein sequence and biophysical properties (such as structural, functional, and spatial information, amino acid conservation, physicochemical variation, residue mobility, and thermodynamic stability) performed at Invitae indicates that this missense variant is not expected to disrupt FLNA protein function. In summary, the available evidence is currently insufficient to determine the role of this variant in disease. Therefore, it has been classified as a Variant of Uncertain Significance.

NM_001110556.2(FLNA):c.6596G>C (p.Cys2199Ser)

Gene: FLNA (filamin A; minus strand). Cytogenetic location: Xq28.
Variant type: single nucleotide variant.
Coding change: c.6596G>C on transcript NM_001110556.2 (MANE Select); coding-DNA position 6596, G replaced by C.
Protein change: p.Cys2199Ser; replaces cysteine 2199 with serine.
Molecular consequence: missense variant.
Genome position (GRCh38, 1-based): chrX:154,352,354, C>G on the plus strand (G>C on the coding strand, the complement: FLNA is on the minus strand). VCF-style: chrX-154352354-C-G. GRCh37 (hg19) VCF-style: chrX-153580722-C-G.
Other names: c.6572G>C, p.Cys2191Ser (NM_001456.4); short protein forms C2191S, C2199S.
Identifiers: ClinVar variation 2931978 (VCV002931978.3), dbSNP rs2522720763, ClinGen allele CA415190767.